The following is an entry in ClinVar:

ClinVar aggregate classification (germline): Uncertain significance (1 of 4 stars; one submission).

Submission:

Labcorp Genetics (formerly Invitae), Labcorp
Classification: Uncertain significance. Last evaluated: 2023-11-21. Review status: criteria provided, single submitter. Criteria: Invitae Variant Classification Sherloc (09022015). Collection method: clinical testing. Allele origin: germline.
Comment: This sequence change replaces glycine, which is neutral and non-polar, with valine, which is neutral and non-polar, at codon 969 of the PLXNA2 protein (p.Gly969Val). This variant is not present in population databases (gnomAD no frequency). This variant has not been reported in the literature in individuals affected with PLXNA2-related conditions. Advanced modeling of protein sequence and biophysical properties (such as structural, functional, and spatial information, amino acid conservation, physicochemical variation, residue mobility, and thermodynamic stability) performed at Invitae indicates that this missense variant is expected to disrupt PLXNA2 protein function with a positive predictive value of 80%. In summary, the available evidence is currently insufficient to determine the role of this variant in disease. Therefore, it has been classified as a Variant of Uncertain Significance.

NM_025179.4(PLXNA2):c.2906G>T (p.Gly969Val)

Gene: PLXNA2 (plexin A2; minus strand). Cytogenetic location: 1q32.2.
Variant type: single nucleotide variant.
Coding change: c.2906G>T on transcript NM_025179.4 (MANE Select); coding-DNA position 2906, G replaced by T.
Protein change: p.Gly969Val; replaces glycine 969 with valine.
Molecular consequence: missense variant.
Genome position (GRCh38, 1-based): chr1:208,052,414, C>A on the plus strand (G>T on the coding strand, the complement: PLXNA2 is on the minus strand). VCF-style: chr1-208052414-C-A. GRCh37 (hg19) VCF-style: chr1-208225759-C-A.
Other names: short protein forms G969V.
Identifiers: ClinVar variation 2766200 (VCV002766200.3), dbSNP rs2526514349, ClinGen allele CA344565404.